The following is an entry in ClinVar:

ClinVar aggregate classification (germline): Conflicting classifications of pathogenicity. Review status: criteria provided, conflicting classifications (1 of 4 stars). 4 submissions from 4 submitters: Uncertain significance (3); Likely benign (1). Last evaluated 2025-05-18.

Conditions:
Inborn genetic diseases. Identifiers: MedGen C0950123, MeSH D030342.

Allele frequency attached by ClinVar (database versions not stated): ExAC 0.00001; gnomAD exomes 0.00001 and 0.00002; gnomAD 0.00010 and 0.00011; TOPMed 0.00011; ESP Exome Variant Server 0.00015.
gnomAD v4.1: 38 of 1,612,800 alleles (0.0024%); highest among the groups gnomAD compares: African/African-American, 0.033%; no homozygotes.

Submissions (4):

Ambry Genetics
Classification: Likely benign for Inborn genetic diseases. Last evaluated: 2025-05-18. Review status: criteria provided, single submitter. Criteria: Ambry Variant Classification Scheme 2023. Collection method: clinical testing. Allele origin: germline.

Labcorp Genetics (formerly Invitae), Labcorp
Classification: Uncertain significance. Last evaluated: 2022-07-02. Review status: criteria provided, single submitter. Criteria: Invitae Variant Classification Sherloc (09022015). Collection method: clinical testing. Allele origin: germline.
Comment: This sequence change replaces threonine, which is neutral and polar, with methionine, which is neutral and non-polar, at codon 563 of the HSPG2 protein (p.Thr563Met). The frequency data for this variant in the population databases is considered unreliable, as metrics indicate poor data quality at this position in the gnomAD database. This variant has not been reported in the literature in individuals affected with HSPG2-related conditions. Algorithms developed to predict the effect of missense changes on protein structure and function output the following: SIFT: "Tolerated"; PolyPhen-2: "Benign"; Align-GVGD: "Class C0". The methionine amino acid residue is found in multiple mammalian species, which suggests that this missense change does not adversely affect protein function. In summary, the available evidence is currently insufficient to determine the role of this variant in disease. Therefore, it has been classified as a Variant of Uncertain Significance.

GeneDx
Classification: Uncertain significance. Last evaluated: 2022-01-27. Review status: criteria provided, single submitter. Criteria: GeneDx Variant Classification Process June 2021. Collection method: clinical testing. Allele origin: germline. Affected: yes.
Comment: In silico analysis supports that this missense variant does not alter protein structure/function; Has not been previously published as pathogenic or benign to our knowledge

Revvity Omics, Revvity
Classification: Uncertain significance. Last evaluated: 2019-09-09. Review status: criteria provided, single submitter. Criteria: ACMG Guidelines, 2015. Collection method: clinical testing. Allele origin: germline.

NM_005529.7(HSPG2):c.1688C>T (p.Thr563Met)

Gene: HSPG2 (heparan sulfate proteoglycan 2; minus strand). Cytogenetic location: 1p36.12.
Variant type: single nucleotide variant.
Coding change: c.1688C>T on transcript NM_005529.7 (MANE Select); coding-DNA position 1688, C replaced by T.
Protein change: p.Thr563Met; replaces threonine 563 with methionine.
Molecular consequence: missense variant.
Genome position (GRCh38, 1-based): chr1:21,881,469, G>A on the plus strand (C>T on the coding strand, the complement: HSPG2 is on the minus strand). VCF-style: chr1-21881469-G-A. GRCh37 (hg19) VCF-style: chr1-22207962-G-A.
Other names: c.1691C>T, p.Thr564Met (NM_001291860.2); short protein forms T563M, T564M.
Identifiers: ClinVar variation 1699852 (VCV001699852.7), dbSNP rs142062738, ClinGen allele CA673328.